The following is an entry in ClinVar:

ClinVar aggregate classification (germline): Uncertain significance (1 of 4 stars; one submission).

gnomAD v4.1: 4 of 1,613,634 alleles (0.00025%); highest among the groups gnomAD compares: Admixed American, 0.0033%; no homozygotes.

Submission:

Labcorp Genetics (formerly Invitae), Labcorp
Classification: Uncertain significance. Last evaluated: 2024-02-23. Review status: criteria provided, single submitter. Criteria: Invitae Variant Classification Sherloc (09022015). Collection method: clinical testing. Allele origin: germline.
Comment: This sequence change replaces arginine, which is basic and polar, with proline, which is neutral and non-polar, at codon 3592 of the PCLO protein (p.Arg3592Pro). This variant is present in population databases (rs778838697, gnomAD 0.006%). This variant has not been reported in the literature in individuals affected with PCLO-related conditions. ClinVar contains an entry for this variant (Variation ID: 1929800). Experimental studies and prediction algorithms are not available or were not evaluated, and the functional significance of this variant is currently unknown. In summary, the available evidence is currently insufficient to determine the role of this variant in disease. Therefore, it has been classified as a Variant of Uncertain Significance.

NM_033026.6(PCLO):c.10775G>C (p.Arg3592Pro)

Gene: PCLO (piccolo presynaptic cytomatrix protein; minus strand). Cytogenetic location: 7q21.11.
Variant type: single nucleotide variant.
Coding change: c.10775G>C on transcript NM_033026.6 (MANE Select); coding-DNA position 10775, G replaced by C.
Protein change: p.Arg3592Pro; replaces arginine 3592 with proline.
Molecular consequence: missense variant.
Genome position (GRCh38, 1-based): chr7:82,949,813, C>G on the plus strand (G>C on the coding strand, the complement: PCLO is on the minus strand). VCF-style: chr7-82949813-C-G. GRCh37 (hg19) VCF-style: chr7-82579129-C-G.
Other names: c.10775G>C, p.Arg3592Pro (NM_014510.3); short protein forms R3592P.
Identifiers: ClinVar variation 1929800 (VCV001929800.4), dbSNP rs778838697, ClinGen allele CA4319683.